The following is an entry in ClinVar:

NM_001378778.1(MPDZ):c.5236G>A (p.Asp1746Asn)

Gene: MPDZ (multiple PDZ domain crumbs cell polarity complex component; minus strand). Cytogenetic location: 9p23.
Variant type: single nucleotide variant.
Coding change: c.5236G>A on transcript NM_001378778.1 (MANE Select); coding-DNA position 5236, G replaced by A.
Protein change: p.Asp1746Asn; replaces aspartic acid 1746 with asparagine.
Molecular consequence: missense variant.
Genome position (GRCh38, 1-based): chr9:13,119,645, C>T on the plus strand (G>A on the coding strand, the complement: MPDZ is on the minus strand). VCF-style: chr9-13119645-C-T. GRCh37 (hg19) VCF-style: chr9-13119644-C-T.
Other names: c.5137G>A, p.Asp1713Asn (NM_001261406.2, NM_001261407.2, NM_001375416.1 and 3 more transcripts); c.5236G>A, p.Asp1746Asn (NM_001330637.2, NM_003829.5); c.5335G>A, p.Asp1779Asn (NM_001375413.1); c.5026G>A, p.Asp1676Asn (NM_001375420.1, NM_001375421.1, NM_001375422.1 and 4 more transcripts); c.4828G>A, p.Asp1610Asn (NM_001375427.1); c.5236G>A (NM_003829.3); short protein forms D1610N, D1676N, D1713N, D1746N, D1779N.
Identifiers: ClinVar variation 1205853 (VCV001205853.9), dbSNP rs767397676, ClinGen allele CA4986370.

ClinVar aggregate classification (germline): Uncertain significance. Review status: criteria provided, multiple submitters, no conflicts (2 of 4 stars). 4 submissions from 4 submitters: Uncertain significance (2). 2 of the submissions do not count toward it. Last evaluated 2025-05-07.

Conditions:
Inborn genetic diseases. Identifiers: MedGen C0950123, MeSH D030342.

Allele frequency attached by ClinVar (database versions not stated): ExAC 0.00002; gnomAD exomes 0.00001 and 0.00002.
gnomAD v4.1: 34 of 1,613,772 alleles (0.0021%); highest among the groups gnomAD compares: African/African-American, 0.004%; no homozygotes.

Submissions (4):

Ambry Genetics
Classification: Uncertain significance for Inborn genetic diseases. Last evaluated: 2025-05-07. Review status: criteria provided, single submitter. Criteria: Ambry Variant Classification Scheme 2023. Collection method: clinical testing. Allele origin: germline.

Labcorp Genetics (formerly Invitae), Labcorp
Classification: Uncertain significance. Last evaluated: 2022-06-27. Review status: criteria provided, single submitter. Criteria: Invitae Variant Classification Sherloc (09022015). Collection method: clinical testing. Allele origin: germline.
Comment: This sequence change replaces aspartic acid, which is acidic and polar, with asparagine, which is neutral and polar, at codon 1746 of the MPDZ protein (p.Asp1746Asn). This variant is present in population databases (rs767397676, gnomAD 0.003%). This variant has not been reported in the literature in individuals affected with MPDZ-related conditions. ClinVar contains an entry for this variant (Variation ID: 1205853). Algorithms developed to predict the effect of missense changes on protein structure and function are either unavailable or do not agree on the potential impact of this missense change (SIFT: "Deleterious"; PolyPhen-2: "Probably Damaging"; Align-GVGD: "Class C15"). In summary, the available evidence is currently insufficient to determine the role of this variant in disease. Therefore, it has been classified as a Variant of Uncertain Significance.

Joint Genome Diagnostic Labs from Nijmegen and Maastricht, Radboudumc and MUMC+
Classification: Uncertain significance. Review status: no assertion criteria provided. Collection method: clinical testing. Allele origin: germline. Affected: yes. Study: VKGL Data-share Consensus. Not counted in ClinVar's aggregate classification.

Laboratory of Diagnostic Genome Analysis, Leiden University Medical Center (LUMC)
Classification: Uncertain significance. Review status: no assertion criteria provided. Collection method: clinical testing. Allele origin: germline. Affected: yes. Study: VKGL Data-share Consensus. Not counted in ClinVar's aggregate classification.